The following is an entry in ClinVar:

ClinVar aggregate classification (germline): Conflicting classifications of pathogenicity. Review status: criteria provided, conflicting classifications (1 of 4 stars). 2 submissions from 2 submitters: Uncertain significance (1); Likely benign (1). Last evaluated 2025-11-24.

Conditions:
LAMA2-related muscular dystrophy (LAMA2-RD). Also called: Laminin alpha 2-related dystrophy. Identifiers: MedGen C5679788, MONDO:0100228.

Allele frequency attached by ClinVar (database versions not stated): gnomAD 0.00001 and 0.00002; gnomAD exomes 0.00001 and 0.00002; ExAC 0.00002; TOPMed 0.00004; ESP Exome Variant Server 0.00008.
gnomAD v4.1: 9 of 1,613,528 alleles (0.00056%); highest among the groups gnomAD compares: African/African-American, 0.012%; no homozygotes.

Submissions (2):

Labcorp Genetics (formerly Invitae), Labcorp
Classification: Likely benign for LAMA2-related muscular dystrophy. Last evaluated: 2025-11-24. Review status: criteria provided, single submitter. Criteria: Invitae Variant Classification Sherloc (09022015). Collection method: clinical testing. Allele origin: germline.

GeneDx
Classification: Uncertain significance. Last evaluated: 2019-07-23. Review status: criteria provided, single submitter. Criteria: GeneDx Variant Classification Process June 2021. Collection method: clinical testing. Allele origin: germline. Affected: yes.
Comment: In silico analysis, which includes protein predictors and evolutionary conservation, supports a deleterious effect; Has not been previously published as pathogenic or benign to our knowledge

NM_000426.4(LAMA2):c.8261A>G (p.Glu2754Gly)

Genes: LAMA2 (laminin subunit alpha 2; plus strand), LOC126859784 (CDK7 strongly-dependent group 2 enhancer GRCh37_chr6:129822854-129824053; plus strand). Cytogenetic location: 6q22.33.
Variant type: single nucleotide variant.
Coding change: c.8261A>G on transcript NM_000426.4 (MANE Select); coding-DNA position 8261, A replaced by G.
Protein change: p.Glu2754Gly; replaces glutamic acid 2754 with glycine.
Molecular consequence: missense variant.
Genome position (GRCh38, 1-based): chr6:129,502,675, A>G. VCF-style: chr6-129502675-A-G. GRCh37 (hg19) VCF-style: chr6-129823820-A-G.
Other names: c.8249A>G, p.Glu2750Gly (NM_001079823.2); short protein forms E2750G, E2754G.
Identifiers: ClinVar variation 1303209 (VCV001303209.9), dbSNP rs139455685, ClinGen allele CA3994785.